The following is an entry in ClinVar:

NM_001005373.4(LRSAM1):c.321+182G>A

Gene: LRSAM1 (leucine rich repeat and sterile alpha motif containing 1; plus strand). Cytogenetic location: 9q33.3.
Variant type: single nucleotide variant.
Coding change: c.321+182G>A on transcript NM_001005373.4 (MANE Select); 182 bases into the intron after coding-DNA position 321, G replaced by A.
Molecular consequence: intron variant.
Genome position (GRCh38, 1-based): chr9:127,459,253, G>A. VCF-style: chr9-127459253-G-A. GRCh37 (hg19) VCF-style: chr9-130221532-G-A.
Other names: c.321+182G>A (NM_138361.5, NM_001384142.1, NM_001384143.1 and 2 more transcripts); c.-464+182G>A (NM_001384144.1).
Identifiers: ClinVar variation 683122 (VCV000683122.1), dbSNP rs7849608, ClinGen allele CA13116644.

ClinVar aggregate classification (germline): Benign (1 of 4 stars; one submission).

Allele frequency attached by ClinVar (database versions not stated): gnomAD 0.17498 and 0.17570; TOPMed 0.20002; 1000 Genomes Project 0.20547; 1000 Genomes Project 30x 0.21002.
gnomAD v4.1: 25,749 of 147,512 alleles (17%); highest among the groups gnomAD compares: Admixed American, 31%; 2,930 homozygotes.

Submission:

GeneDx
Classification: Benign. Last evaluated: 2018-06-19. Review status: criteria provided, single submitter. Criteria: GeneDx Variant Classification (06012015). Collection method: clinical testing. Allele origin: germline. Affected: yes.
Comment: This variant is considered likely benign or benign based on one or more of the following criteria: it is a conservative change, it occurs at a poorly conserved position in the protein, it is predicted to be benign by multiple in silico algorithms, and/or has population frequency not consistent with disease.